The following is an entry in ClinVar:

ClinVar aggregate classification (germline): Pathogenic. Review status: criteria provided, multiple submitters, no conflicts (2 of 4 stars). 4 submissions from 4 submitters: Pathogenic (4). Last evaluated 2024-12-09.

Conditions:
Familial cystic renal disease. Identifiers: Orphanet 93587, MedGen C5680285, MONDO:0019741.
Autosomal recessive polycystic kidney disease (ARPKD). Also called: AR polycystic kidney disease. Identifiers: Orphanet 731, Orphanet 8378, MedGen C0085548, MeSH D017044, MONDO:0009889.

Submissions (4):

Clinical Genetics Laboratory, Skane University Hospital Lund
Classification: Pathogenic for Familial cystic renal disease. Last evaluated: 2024-12-09. Review status: criteria provided, single submitter. Criteria: ACMG Guidelines, 2015. Collection method: clinical testing. Allele origin: germline. Affected: yes.
Comment: ACMG criteria used: PVS1, PS4_Supporting, PM2

Natera, Inc.
Classification: Pathogenic for Autosomal recessive polycystic kidney disease. Last evaluated: 2024-10-02. Review status: criteria provided, single submitter. Criteria: Natera Variant Classification Schema (03/2026). Collection method: clinical testing. Allele origin: germline.
Comment: The c.8829dupC variant in PKHD1 is a frameshift variant predicted to shift the reading frame beginning at codon 2944 and leads to a stop codon 6 codons downstream. This variant is expected to result in nonsense mediated decay, truncation, or a dysfunctional protein product. This variant is rare in the general population with a frequency below the threshold expected for the associated phenotype(s). This variant has been observed in one or more individuals affected with the associated recessive disease, as either homozygous or compound heterozygous with a second variant (PMID: 11898128, 15805161). Given the available evidence, this variant is classified as Pathogenic.

GeneDx
Classification: Pathogenic. Last evaluated: 2024-05-23. Review status: criteria provided, single submitter. Criteria: GeneDx Variant Classification Process June 2021. Collection method: clinical testing. Allele origin: germline. Affected: yes.
Comment: Frameshift variant predicted to result in protein truncation or nonsense mediated decay in a gene for which loss of function is a known mechanism of disease; Not observed at significant frequency in large population cohorts (gnomAD); This variant is associated with the following publications: (PMID: 11898128)

Labcorp Genetics (formerly Invitae), Labcorp
Classification: Pathogenic for Autosomal recessive polycystic kidney disease. Last evaluated: 2024-01-29. Review status: criteria provided, single submitter. Criteria: Invitae Variant Classification Sherloc (09022015). Collection method: clinical testing. Allele origin: germline.
Comment: This sequence change creates a premature translational stop signal (p.Ile2944Hisfs*6) in the PKHD1 gene. It is expected to result in an absent or disrupted protein product. Loss-of-function variants in PKHD1 are known to be pathogenic (PMID: 19940839). This variant is not present in population databases (gnomAD no frequency). This premature translational stop signal has been observed in individual(s) with polycystic kidney disease (PMID: 11898128). In at least one individual the data is consistent with being in trans (on the opposite chromosome) from a pathogenic variant. ClinVar contains an entry for this variant (Variation ID: 1300719). For these reasons, this variant has been classified as Pathogenic.

Literature cited by the submitters: PubMed 11898128 (cited by Natera, Inc. and Labcorp Genetics (formerly Invitae), Labcorp); PubMed 15805161 (cited by Natera, Inc.); PubMed 19940839 (cited by Labcorp Genetics (formerly Invitae), Labcorp).

NM_138694.4(PKHD1):c.8829dup (p.Ile2944fs)

Gene: PKHD1 (PKHD1 ciliary IPT domain containing fibrocystin/polyductin; minus strand). Cytogenetic location: 6p12.3.
Variant type: Duplication.
Coding change: c.8829dup on transcript NM_138694.4 (MANE Select); coding-DNA position 8829, one base duplicated (C; older notation c.8829dupC).
Protein change: p.Ile2944fs; shifts the reading frame from isoleucine 2944.
Molecular consequence: frameshift variant.
Genome position (GRCh38, 1-based): chr6:51,753,322, G duplicated on the plus strand (C on the coding strand, the reverse complement: PKHD1 is on the minus strand). VCF-style (leftmost placement, unchanged base first): chr6-51753321-T-TG. GRCh37 (hg19) VCF-style: chr6-51618119-T-TG.
Other names: c.8829_8830insC (NM_138694.4); c.8829dup, p.Ile2944fs (NM_170724.3); short protein forms I2944fs.
Identifiers: ClinVar variation 1300719 (VCV001300719.14), dbSNP rs2151011995, ClinGen allele CA2573052706.
Genomic context (GRCh38, chr6:51,753,321, plus strand): 5'-ATACGTCAGGCTGAATTTGTATATTTCGGGTCAACAGTCCAACCTCAGCAGCCAAACGAA[T>TG]GTGTCGGCCATCCTCCGTGACATGTACACTTCCTGGGGCAATAGGAGTTGTGGGAAAAAA-3'